The following is an entry in ClinVar:

ClinVar aggregate classification (germline): Likely pathogenic (1 of 4 stars; one submission).

Conditions:
Combined immunodeficiency due to DOCK8 deficiency (HIES2). Also called: HIES autosomal recessive; HYPER-IgE RECURRENT INFECTION SYNDROME 2, AUTOSOMAL RECESSIVE; Hyper-IgE recurrent infection syndrome, autosomal recessive; HYPER-IgE SYNDROME 2, AUTOSOMAL RECESSIVE, WITH RECURRENT INFECTIONS; DOCK8 Deficiency. Identifiers: Orphanet 217390, MedGen C4722305, MONDO:0009478, OMIM 243700.

Submission:

Labcorp Genetics (formerly Invitae), Labcorp
Classification: Likely pathogenic for Combined immunodeficiency due to DOCK8 deficiency. Last evaluated: 2024-02-22. Review status: criteria provided, single submitter. Criteria: Invitae Variant Classification Sherloc (09022015). Collection method: clinical testing. Allele origin: germline.
Comment: This variant results in the deletion of part of exon 22 (c.2606-5_2606del) of the DOCK8 gene. It is expected to disrupt RNA splicing. Variants that disrupt the donor or acceptor splice site typically lead to a loss of protein function (PMID: 16199547), and loss-of-function variants in DOCK8 are known to be pathogenic (PMID: 14722525, 19776401). This variant is not present in population databases (gnomAD no frequency). This variant has not been reported in the literature in individuals affected with DOCK8-related conditions. Algorithms developed to predict the effect of sequence changes on RNA splicing suggest that this variant may disrupt the consensus splice site. In summary, the currently available evidence indicates that the variant is pathogenic, but additional data are needed to prove that conclusively. Therefore, this variant has been classified as Likely Pathogenic.

Literature cited by the submitters: PubMed 16199547; PubMed 14722525; PubMed 19776401.

NM_203447.4(DOCK8):c.2606-5_2606del

Gene: DOCK8 (dedicator of cytokinesis 8; plus strand). Cytogenetic location: 9p24.3.
Variant type: Deletion.
Coding change: c.2606-5_2606del on transcript NM_203447.4 (MANE Select); 5 bases into the intron before coding-DNA position 2606 through coding-DNA position 2606, 6 bases deleted (TGCAGG; older notation c.2606-5_2606delTGCAGG).
Molecular consequence: splice acceptor variant.
Genome position (GRCh38, 1-based): chr9:382,508-382,513, TGCAGG deleted; deleting any 6 consecutive bases within chr9:382,506-382,513 gives the same sequence; the c. name uses the placement nearest the transcript's 3' end. VCF-style (leftmost placement, unchanged base first): chr9-382505-GGGTGCA-G. GRCh37 (hg19) VCF-style: chr9-382505-GGGTGCA-G.
Other names: c.2402-5_2402del (NM_001193536.2, NM_001190458.2).
Identifiers: ClinVar variation 3628738 (VCV003628738.2).